The following is an entry in ClinVar:

ClinVar aggregate classification (germline): Uncertain significance. Review status: criteria provided, multiple submitters, no conflicts (2 of 4 stars). 3 submissions from 3 submitters: Uncertain significance (3). Last evaluated 2025-03-19.

Conditions:
Familial adenomatous polyposis 1 (FAP1). Also called: POLYPOSIS, ADENOMATOUS INTESTINAL; FAMILIAL ADENOMATOUS POLYPOSIS 1, ATTENUATED. Identifiers: MedGen C2713442, MONDO:0021056, OMIM 175100. Disease mechanism: loss of function.
Hereditary cancer-predisposing syndrome. Also called: Tumor predisposition; Hereditary Cancer Syndrome; Neoplastic Syndromes, Hereditary; Hereditary neoplastic syndrome. Identifiers: Orphanet 140162, MedGen C0027672, MeSH D009386, MONDO:0015356.

gnomAD v4.1: 3 of 1,613,462 alleles (0.00019%); highest among the groups gnomAD compares: Non-Finnish European, 0.00025%; no homozygotes.

Submissions (3):

Ambry Genetics
Classification: Uncertain significance for Hereditary cancer-predisposing syndrome. Last evaluated: 2025-03-19. Review status: criteria provided, single submitter. Criteria: Ambry Variant Classification Scheme 2023. Collection method: clinical testing. Allele origin: germline.
Comment: The p.A199T variant (also known as c.595G>A), located in coding exon 5 of the APC gene, results from a G to A substitution at nucleotide position 595. The alanine at codon 199 is replaced by threonine, an amino acid with similar properties. This alteration was identified in a study aimed at identifying APC variants associated with an increased risk of developing colorectal adenomas (Azzopardi D et al. Cancer Res, 2008 Jan;68:358-63). This amino acid position is highly conserved in available vertebrate species. In addition, in silico predictors for this gene do not accurately predict pathogenicity. Missense alterations in APC are not a common cause of disease (Spier I et al. Genet Med. 2024 Feb;26(2):100992). Based on the available evidence, the clinical significance of this variant remains unclear.

Labcorp Genetics (formerly Invitae), Labcorp
Classification: Uncertain significance for Familial adenomatous polyposis 1. Last evaluated: 2024-10-31. Review status: criteria provided, single submitter. Criteria: Invitae Variant Classification Sherloc (09022015). Collection method: clinical testing. Allele origin: germline.
Comment: This sequence change replaces alanine, which is neutral and non-polar, with threonine, which is neutral and polar, at codon 199 of the APC protein (p.Ala199Thr). This variant is not present in population databases (gnomAD no frequency). This missense change has been observed in individual(s) with clinical features of familial adenomatous polyposis (PMID: 18199528). ClinVar contains an entry for this variant (Variation ID: 1332096). Invitae Evidence Modeling of protein sequence and biophysical properties (such as structural, functional, and spatial information, amino acid conservation, physicochemical variation, residue mobility, and thermodynamic stability) indicates that this missense variant is not expected to disrupt APC protein function with a negative predictive value of 95%. In summary, the available evidence is currently insufficient to determine the role of this variant in disease. Therefore, it has been classified as a Variant of Uncertain Significance.

Color Diagnostics, LLC DBA Color Health
Classification: Uncertain significance for Hereditary cancer-predisposing syndrome. Last evaluated: 2021-01-26. Review status: criteria provided, single submitter. Criteria: ACMG Guidelines, 2015. Collection method: clinical testing. Allele origin: germline.
Comment: This missense variant replaces alanine with threonine at codon 199 of the APC protein. Computational prediction is inconclusive regarding the impact of this variant on protein structure and function (internally defined REVEL score threshold 0.5 < inconclusive < 0.7, PMID: 27666373). To our knowledge, functional studies have not been reported for this variant. This variant has been reported in individual affected with familial adenomatous polyposis (PMID: 18199528). This variant has not been identified in the general population by the Genome Aggregation Database (gnomAD). The available evidence is insufficient to determine the role of this variant in disease conclusively. Therefore, this variant is classified as a Variant of Uncertain Significance.

Literature cited by the submitters: PubMed 18199528 (cited by Ambry Genetics and Labcorp Genetics (formerly Invitae), Labcorp).

NM_000038.6(APC):c.595G>A (p.Ala199Thr)

Gene: APC (APC regulator of Wnt signaling pathway; plus strand). Cytogenetic location: 5q22.2.
Variant type: single nucleotide variant.
Coding change: c.595G>A on transcript NM_000038.6 (MANE Select); coding-DNA position 595, G replaced by A.
Protein change: p.Ala199Thr; replaces alanine 199 with threonine.
Molecular consequence: missense variant. On other transcripts: 5 prime UTR variant (1).
Genome position (GRCh38, 1-based): chr5:112,780,853, G>A. VCF-style: chr5-112780853-G-A. GRCh37 (hg19) VCF-style: chr5-112116550-G-A.
Other names: c.595G>A, p.Ala199Thr (NM_001127510.3, NM_001354895.2, NM_001354896.2 and 2 more transcripts); c.625G>A, p.Ala209Thr (NM_001127511.3, NM_001354897.2, NM_001354902.2); c.520G>A, p.Ala174Thr (NM_001354898.2, NM_001354904.2); c.418G>A, p.Ala140Thr (NM_001354900.2, NM_001354905.2, NM_001354901.2); c.-441G>A (NM_001354906.2); short protein forms A140T, A174T, A199T, A209T.
Identifiers: ClinVar variation 1332096 (VCV001332096.13), dbSNP rs2149640117, ClinGen allele CA16022636.